The following is an entry in ClinVar:

ClinVar aggregate classification (germline): Conflicting classifications of pathogenicity. Review status: criteria provided, conflicting classifications (1 of 4 stars). 5 submissions from 5 submitters: Uncertain significance (1); Benign (1); Likely benign (3). Last evaluated 2025-12-22.

Conditions:
Norman-Roberts syndrome (LIS2). Also called: Lissencephaly 2 (Norman-Roberts type). Identifiers: Orphanet 89844, MedGen C0796089, MONDO:0009760, OMIM 257320.
Familial temporal lobe epilepsy 7. Identifiers: Orphanet 101046, MedGen C4225327, MONDO:0014639, OMIM 616436.

Allele frequency attached by ClinVar (database versions not stated): gnomAD 0.00010; gnomAD exomes 0.00018; ESP Exome Variant Server 0.00023; TOPMed 0.00028.
gnomAD v4.1: 204 of 1,613,402 alleles (0.013%); highest among the groups gnomAD compares: Middle Eastern, 0.049%; no homozygotes.

Submissions (5):

Labcorp Genetics (formerly Invitae), Labcorp
Classification: Likely benign for Familial temporal lobe epilepsy 7; Norman-Roberts syndrome. Last evaluated: 2025-12-22. Review status: criteria provided, single submitter. Criteria: Invitae Variant Classification Sherloc (09022015). Collection method: clinical testing. Allele origin: germline.

Blueprint Genetics
Classification: Likely benign. Last evaluated: 2024-04-10. Review status: criteria provided, single submitter. Criteria: ACMG Guidelines, 2015. Collection method: clinical testing. Allele origin: germline.

CeGaT Center for Human Genetics Tuebingen
Classification: Likely benign. Last evaluated: 2022-12-01. Review status: criteria provided, single submitter. Criteria: CeGaT Center For Human Genetics Tuebingen Variant Classification Criteria Version 2. Collection method: clinical testing. Allele origin: germline. Affected: yes. Observed: 1 variant allele.
Comment: RELN: BP4, BP7

Athena Diagnostics
Classification: Benign. Last evaluated: 2020-02-26. Review status: criteria provided, single submitter. Criteria: Athena Diagnostics Criteria. Collection method: clinical testing. Allele origin: unknown.

Illumina Laboratory Services, Illumina
Classification: Uncertain significance for Norman-Roberts syndrome. Last evaluated: 2018-01-13. Review status: criteria provided, single submitter. Criteria: ICSL Variant Classification Criteria 13 December 2019. Collection method: clinical testing. Allele origin: germline.

NM_005045.4(RELN):c.1344C>G (p.Gly448=)

Genes: RELN (reelin; minus strand), LOC126860131 (MED14-independent group 3 enhancer GRCh37_chr7:103301048-103302247; plus strand). Cytogenetic location: 7q22.1.
Variant type: single nucleotide variant.
Coding change: c.1344C>G on transcript NM_005045.4 (MANE Select); coding-DNA position 1344, C replaced by G.
Protein change: p.Gly448=; no amino-acid change (glycine 448 retained).
Molecular consequence: synonymous variant.
Genome position (GRCh38, 1-based): chr7:103,661,473, G>C on the plus strand (C>G on the coding strand, the complement: RELN is on the minus strand). VCF-style: chr7-103661473-G-C. GRCh37 (hg19) VCF-style: chr7-103301920-G-C.
Other names: c.1344C>G, p.Gly448= (NM_173054.3).
Identifiers: ClinVar variation 358414 (VCV000358414.43), dbSNP rs144150588, ClinGen allele CA4422288.
Genomic context (GRCh38, chr7:103,661,473, plus strand): 5'-AGTGTCCATGGATGGAGTGCATAATTTCCTCTCTCCATCTTTGAGGAAGACCATTGATAA[G>C]CCTGATTCTATCGTTCCACATTCTGTACCAATGACAGCTCCCAAGACATCCCATCTAAAA-3'
Protein context (NP_005036.2, residues 438-458): IGTECGTIES[Gly448=]LSMVFLKDGE